The following is an entry in ClinVar:

ClinVar aggregate classification (germline): Likely benign. Review status: criteria provided, multiple submitters, no conflicts (2 of 4 stars). 2 submissions from 2 submitters: Likely benign (2). Last evaluated 2025-04-02.

Allele frequency attached by ClinVar (database versions not stated): 1000 Genomes Project 30x 0.00031; ExAC 0.00033; 1000 Genomes Project 0.00040; TOPMed 0.00052; ESP Exome Variant Server 0.00062.
gnomAD v4.1: 548 of 1,614,164 alleles (0.034%); highest among the groups gnomAD compares: African/African-American, 0.14%; 1 homozygote.

Submissions (2):

Labcorp Genetics (formerly Invitae), Labcorp
Classification: Likely benign. Last evaluated: 2025-04-02. Review status: criteria provided, single submitter. Criteria: Invitae Variant Classification Sherloc (09022015). Collection method: clinical testing. Allele origin: germline.

CeGaT Center for Human Genetics Tuebingen
Classification: Likely benign. Last evaluated: 2023-03-01. Review status: criteria provided, single submitter. Criteria: CeGaT Center For Human Genetics Tuebingen Variant Classification Criteria Version 2. Collection method: clinical testing. Allele origin: germline. Affected: yes. Observed: 1 variant allele.
Comment: ATP2B4: BP4, BP7

NM_001684.5(ATP2B4):c.585C>T (p.Asn195=)

Gene: ATP2B4 (ATPase plasma membrane Ca2+ transporting 4; plus strand). Cytogenetic location: 1q32.1.
Variant type: single nucleotide variant.
Coding change: c.585C>T on transcript NM_001684.5 (MANE Select); coding-DNA position 585, C replaced by T.
Protein change: p.Asn195=; no amino-acid change (asparagine 195 retained).
Molecular consequence: synonymous variant.
Genome position (GRCh38, 1-based): chr1:203,699,653, C>T. VCF-style: chr1-203699653-C-T. GRCh37 (hg19) VCF-style: chr1-203668781-C-T.
Other names: c.585C>T, p.Asn195= (NM_001001396.3, NM_001365783.2, NM_001365784.2).
Identifiers: ClinVar variation 2420810 (VCV002420810.31), dbSNP rs149951732, ClinGen allele CA1341402.